The following is an entry in ClinVar:

ClinVar aggregate classification (germline): Benign. Review status: criteria provided, multiple submitters, no conflicts (2 of 4 stars). 16 submissions from 16 submitters: Benign (11). 5 of the submissions do not count toward it. Last evaluated 2026-02-04.

Conditions:
Dilated cardiomyopathy 1DD (CMD1DD). Identifiers: Orphanet 154, MedGen C2750995, MONDO:0013168, OMIM 613172.
Cardiovascular phenotype. Identifiers: MedGen CN230736.
Cardiomyopathy (CMYO). Also called: Cardiomyopathies. Identifiers: Orphanet 167848, MedGen C0878544, MONDO:0004994, HP:0001638. Inheritance: Various modes of inheritance.
Primary dilated cardiomyopathy (DCM). Also called: Dilated Cardiomyopathy. Identifiers: Orphanet 217604, MedGen C0007193, MeSH D002311, MONDO:0005021, HP:0001644. Inheritance: Various modes of inheritance.

Allele frequency attached by ClinVar (database versions not stated): 1000 Genomes Project 30x 0.22642; gnomAD exomes 0.14336 and 0.15154; ExAC 0.15223; gnomAD 0.20474 and 0.20903; TOPMed 0.21547; 1000 Genomes Project 0.22224.
gnomAD v4.1: 239,332 of 1,526,416 alleles (16%); highest among the groups gnomAD compares: African/African-American, 38%; 21,086 homozygotes.

Submissions (16):

Labcorp Genetics (formerly Invitae), Labcorp
Classification: Benign for Dilated cardiomyopathy 1DD. Last evaluated: 2026-02-04. Review status: criteria provided, single submitter. Criteria: Invitae Variant Classification Sherloc (09022015). Collection method: clinical testing. Allele origin: germline.

Molecular Diagnostic Laboratory for Inherited Cardiovascular Disease, Montreal Heart Institute
Classification: Benign. Last evaluated: 2025-04-08. Review status: criteria provided, single submitter. Criteria: ACMG Guidelines, 2015. Collection method: clinical testing. Allele origin: germline. Affected: no.

Illumina Laboratory Services, Illumina
Classification: Benign for Dilated cardiomyopathy 1DD. Last evaluated: 2018-01-13. Review status: criteria provided, single submitter. Criteria: ICSL Variant Classification Criteria 13 December 2019. Collection method: clinical testing. Allele origin: germline.
Comment: This variant was observed in the ICSL laboratory as part of a predisposition screen in an ostensibly healthy population. It had not been previously curated by ICSL or reported in the Human Gene Mutation Database (HGMD: prior to June 1st, 2018), and was therefore a candidate for classification through an automated scoring system. Utilizing variant allele frequency, disease prevalence and penetrance estimates, and inheritance mode, an automated score was calculated to assess if this variant is too frequent to cause the disease. Based on the score and internal cut-off values, a variant classified as benign is not then subjected to further curation. The score for this variant resulted in a classification of benign for this disease.

Eurofins Ntd Llc (ga)
Classification: Benign. Last evaluated: 2016-06-16. Review status: criteria provided, single submitter. Criteria: EGL Classification Definitions 2015. Collection method: clinical testing. Allele origin: germline. Observed: 1 variant allele, 1 heterozygote.

CHEO Genetics Diagnostic Laboratory, Children's Hospital of Eastern Ontario
Classification: Benign for Cardiomyopathy. Last evaluated: 2015-11-10. Review status: criteria provided, single submitter. Criteria: ACMG Guidelines, 2015. Collection method: clinical testing. Allele origin: germline. Study: Canadian Open Genetics Repository.

Ambry Genetics
Classification: Benign for Cardiovascular phenotype. Last evaluated: 2015-06-24. Review status: criteria provided, single submitter. Criteria: Ambry Variant Classification Scheme 2023. Collection method: clinical testing. Allele origin: germline.

Mayo Clinic Laboratories, Mayo Clinic
Classification: Benign. Last evaluated: 2014-08-06. Review status: criteria provided, single submitter. Criteria: ACMG Guidelines, 2015. Collection method: clinical testing. Allele origin: germline. Observed: 401 variant alleles.

GeneDx
Classification: Benign. Last evaluated: 2012-11-07. Review status: criteria provided, single submitter. Criteria: GeneDx Variant Classification (06012015). Collection method: clinical testing. Allele origin: germline. Affected: yes.
Comment: This variant is considered likely benign or benign based on one or more of the following criteria: it is a conservative change, it occurs at a poorly conserved position in the protein, it is predicted to be benign by multiple in silico algorithms, and/or has population frequency not consistent with disease.

Laboratory for Molecular Medicine, Mass General Brigham Personalized Medicine
Classification: Benign. Last evaluated: 2011-09-30. Review status: criteria provided, single submitter. Criteria: LMM Criteria. Collection method: clinical testing. Allele origin: germline. Observed: 663 variant alleles.

Breakthrough Genomics
Classification: Benign. Review status: criteria provided, single submitter. Criteria: ACMG Guidelines, 2015. Collection method: not provided. Allele origin: germline. Inheritance: Autosomal dominant inheritance. Affected: yes.

PreventionGenetics, part of Exact Sciences
Classification: Benign. Review status: criteria provided, single submitter. Criteria: ACMG Guidelines, 2015. Collection method: clinical testing. Allele origin: germline.

Cohesion Phenomics
Classification: Benign for Dilated Cardiomyopathy. Last evaluated: 2022-09-27. Review status: no assertion criteria provided. Criteria: ACMG Guidelines, 2015. Collection method: clinical testing. Allele origin: germline. Affected: yes. Not counted in ClinVar's aggregate classification.

Clinical Genetics DNA and cytogenetics Diagnostics Lab, Erasmus MC, Erasmus Medical Center
Classification: Benign. Review status: no assertion criteria provided. Collection method: clinical testing. Allele origin: germline. Affected: yes. Study: VKGL Data-share Consensus. Not counted in ClinVar's aggregate classification.

Clinical Genetics, Academic Medical Center
Classification: Benign. Review status: no assertion criteria provided. Collection method: clinical testing. Allele origin: germline. Affected: yes. Study: VKGL Data-share Consensus. Not counted in ClinVar's aggregate classification.

Genome Diagnostics Laboratory, University Medical Center Utrecht
Classification: Benign. Review status: no assertion criteria provided. Collection method: clinical testing. Allele origin: germline. Affected: yes. Study: VKGL Data-share Consensus. Not counted in ClinVar's aggregate classification.

Joint Genome Diagnostic Labs from Nijmegen and Maastricht, Radboudumc and MUMC+
Classification: Benign. Review status: no assertion criteria provided. Collection method: clinical testing. Allele origin: germline. Affected: yes. Study: VKGL Data-share Consensus. Not counted in ClinVar's aggregate classification.

NM_001134363.3(RBM20):c.90G>A (p.Arg30=)

Gene: RBM20 (RNA binding motif protein 20; plus strand). Cytogenetic location: 10q25.2.
Variant type: single nucleotide variant.
Coding change: c.90G>A on transcript NM_001134363.3 (MANE Select); coding-DNA position 90, G replaced by A.
Protein change: p.Arg30=; no amino-acid change (arginine 30 retained).
Molecular consequence: synonymous variant.
Genome position (GRCh38, 1-based): chr10:110,644,544, G>A. VCF-style: chr10-110644544-G-A. GRCh37 (hg19) VCF-style: chr10-112404302-G-A.
Other names: p.R30R:CGG>CGA; p.Arg30=.
Identifiers: ClinVar variation 44029 (VCV000044029.39), dbSNP rs35141404, ClinGen allele CA133423.